The following is an entry in ClinVar:

NM_001395656.1(ROBO2):c.1709A>G (p.Asn570Ser)

Gene: ROBO2 (roundabout guidance receptor 2; plus strand). Cytogenetic location: 3p12.3.
Variant type: single nucleotide variant.
Coding change: c.1709A>G on transcript NM_001395656.1 (MANE Select); coding-DNA position 1709, A replaced by G.
Protein change: p.Asn570Ser; replaces asparagine 570 with serine.
Molecular consequence: missense variant. On other transcripts: 5 prime UTR variant (1).
Genome position (GRCh38, 1-based): chr3:77,564,968, A>G. VCF-style: chr3-77564968-A-G. GRCh37 (hg19) VCF-style: chr3-77614119-A-G.
Other names: c.1778A>G, p.Asn593Ser (NM_001394213.1, NM_001378192.1, NM_001378194.1 and 2 more transcripts); c.1766A>G, p.Asn589Ser (NM_001394214.1, NM_001395657.1, NM_001394212.1); c.1697A>G, p.Asn566Ser (NM_002942.5, NM_001378193.1, NM_001378197.1); c.1745A>G, p.Asn582Ser (NM_001128929.3); c.1709A>G, p.Asn570Ser (NM_001290039.2, NM_001290040.2, NM_001378202.1); c.-83A>G (NM_001290065.2); c.1757A>G, p.Asn586Ser (NM_001378190.1, NM_001378191.1, NM_001378195.1 and 4 more transcripts); short protein forms N589S, N593S, N582S, N570S, N586S, N566S.
Identifiers: ClinVar variation 2962515 (VCV002962515.3), dbSNP rs1227673509, ClinGen allele CA353521178.

ClinVar aggregate classification (germline): Uncertain significance (1 of 4 stars; one submission).

Submission:

Labcorp Genetics (formerly Invitae), Labcorp
Classification: Uncertain significance. Last evaluated: 2024-10-26. Review status: criteria provided, single submitter. Criteria: Invitae Variant Classification Sherloc (09022015). Collection method: clinical testing. Allele origin: germline.
Comment: This sequence change replaces asparagine, which is neutral and polar, with serine, which is neutral and polar, at codon 566 of the ROBO2 protein (p.Asn566Ser). This variant is not present in population databases (gnomAD no frequency). This variant has not been reported in the literature in individuals affected with ROBO2-related conditions. Invitae Evidence Modeling of protein sequence and biophysical properties (such as structural, functional, and spatial information, amino acid conservation, physicochemical variation, residue mobility, and thermodynamic stability) indicates that this missense variant is not expected to disrupt ROBO2 protein function with a negative predictive value of 95%. In summary, the available evidence is currently insufficient to determine the role of this variant in disease. Therefore, it has been classified as a Variant of Uncertain Significance.